The following is an entry in ClinVar:

ClinVar aggregate classification (germline): Uncertain significance (1 of 4 stars; one submission).

Conditions:
SPTBN2-related disorder. Also called: SPTBN2-related condition.

gnomAD v4.1: 2 of 1,536,796 alleles (0.00013%); highest among the groups gnomAD compares: Non-Finnish European, 0.00017%; no homozygotes.

Submission:

PreventionGenetics, part of Exact Sciences
Classification: Uncertain significance for SPTBN2-related condition. Last evaluated: 2025-08-29. Review status: criteria provided, single submitter. Criteria: ACMG Guidelines, 2015. Collection method: clinical testing. Allele origin: germline.
Comment: The SPTBN2 c.2128G>A variant is predicted to result in the amino acid substitution p.Glu710Lys. To our knowledge, this variant has not been reported in the literature. This variant is reported in 0.0018% of alleles in individuals of European (Non-Finnish) descent in gnomAD. At this time, the clinical significance of this variant is uncertain due to the absence of conclusive functional and genetic evidence.

NM_006946.4(SPTBN2):c.2128G>A (p.Glu710Lys)

Gene: SPTBN2 (spectrin beta, non-erythrocytic 2; minus strand). Cytogenetic location: 11q13.2.
Variant type: single nucleotide variant.
Coding change: c.2128G>A on transcript NM_006946.4 (MANE Select); coding-DNA position 2128, G replaced by A.
Protein change: p.Glu710Lys; replaces glutamic acid 710 with lysine.
Molecular consequence: missense variant.
Genome position (GRCh38, 1-based): chr11:66,705,148, C>T on the plus strand (G>A on the coding strand, the complement: SPTBN2 is on the minus strand). VCF-style: chr11-66705148-C-T. GRCh37 (hg19) VCF-style: chr11-66472619-C-T.
Other names: c.2149G>A, p.Glu717Lys (NM_001411025.1); c.2128G>A, p.Glu710Lys (NM_001437541.1); short protein forms E710K, E717K.
Identifiers: ClinVar variation 4977837 (VCV004977837.1).